The following is an entry in ClinVar:

ClinVar aggregate classification (germline): Benign/Likely benign. Review status: criteria provided, multiple submitters, no conflicts (2 of 4 stars). 7 submissions from 7 submitters: Benign (3); Likely benign (3). 1 of the submissions does not count toward it. Last evaluated 2026-09-01.

Conditions:
SURF1-related disorder. Also called: SURF1-related condition.
Leigh syndrome (NULS). Also called: Leigh Syndrome (mtDNA deletion); Leigh's syndrome; Leigh's necrotizing encephalopathy; Leigh's disease; Leigh Disease; Subacute necrotizing encephalopathy. Identifiers: Orphanet 506, MedGen C2931891, MONDO:0009723, OMIM 256000.

Allele frequency attached by ClinVar (database versions not stated): 1000 Genomes Project 0.00120; 1000 Genomes Project 30x 0.00203; gnomAD 0.00276 and 0.00286; TOPMed 0.00295; gnomAD exomes 0.00535; ExAC 0.00807.

Submissions (7):

CeGaT Center for Human Genetics Tuebingen
Classification: Likely benign. Last evaluated: 2026-09-01. Review status: criteria provided, single submitter. Criteria: CeGaT Center For Human Genetics Tuebingen Variant Classification Criteria Version 2. Collection method: clinical testing. Allele origin: germline. Affected: yes. Observed: 31 variant alleles.
Comment: SURF1: PP3, BS2

PreventionGenetics, part of Exact Sciences
Classification: Benign for SURF1-related condition. Last evaluated: 2026-08-18. Review status: criteria provided, single submitter. Criteria: ACMG Guidelines, 2015. Collection method: clinical testing. Allele origin: germline.
Comment: This variant is classified as benign based on ACMG/AMP sequence variant interpretation guidelines (Richards et al. 2015 PMID: 25741868, with internal and published modifications).

Labcorp Genetics (formerly Invitae), Labcorp
Classification: Benign for Leigh syndrome. Last evaluated: 2026-02-03. Review status: criteria provided, single submitter. Criteria: Invitae Variant Classification Sherloc (09022015). Collection method: clinical testing. Allele origin: germline.

Blueprint Genetics
Classification: Likely benign. Last evaluated: 2024-11-12. Review status: criteria provided, single submitter. Criteria: ACMG Guidelines, 2015. Collection method: clinical testing. Allele origin: germline.

ARUP Laboratories, Molecular Genetics and Genomics, ARUP Laboratories
Classification: Likely benign. Last evaluated: 2021-10-21. Review status: criteria provided, single submitter. Criteria: ARUP Molecular Germline Variant Investigation Process 2021. Collection method: clinical testing. Allele origin: germline.

GeneDx
Classification: Benign. Last evaluated: 2014-04-01. Review status: criteria provided, single submitter. Criteria: GeneDx Variant Classification (06012015). Collection method: clinical testing. Allele origin: germline. Affected: yes.
Comment: This variant is considered likely benign or benign based on one or more of the following criteria: it is a conservative change, it occurs at a poorly conserved position in the protein, it is predicted to be benign by multiple in silico algorithms, and/or has population frequency not consistent with disease.

Mayo Clinic Laboratories, Mayo Clinic
Classification: Likely benign. Last evaluated: 2016-03-02. Review status: no assertion criteria provided. Collection method: clinical testing. Allele origin: unknown. Not counted in ClinVar's aggregate classification.

NM_003172.4(SURF1):c.54+10G>A

Genes: SURF1 (SURF1 cytochrome c oxidase assembly factor; minus strand), LOC130002899 (ATAC-STARR-seq lymphoblastoid silent region 20452; plus strand). Cytogenetic location: 9q34.2.
Variant type: single nucleotide variant.
Coding change: c.54+10G>A on transcript NM_003172.4 (MANE Select); 10 bases into the intron after coding-DNA position 54, G replaced by A.
Molecular consequence: intron variant.
Genome position (GRCh38, 1-based): chr9:133,356,390, C>T on the plus strand (G>A on the coding strand, the complement: SURF1 is on the minus strand). VCF-style: chr9-133356390-C-T. GRCh37 (hg19) VCF-style: chr9-136223266-C-T.
Other names: c.-222+10G>A (NM_001280787.1).
Identifiers: ClinVar variation 139379 (VCV000139379.83), dbSNP rs587598397, ClinGen allele CA293839.
Genomic context (GRCh38, chr9:133,356,390, plus strand): 5'-CGGACGGGCGGGCTGAGCTCCGGGACCCCTCCCCGCGCCCCGCACCCCGCACCCCGCACC[C>T]GGCGCTCACCCGTCCCAGCCCCGCCGCCCGCAGCCCCAGCTGCAACGCAGCCACCGCCGC-3'